The following is an entry in ClinVar:

NM_000059.4(BRCA2):c.7071G>T (p.Leu2357=)

Gene: BRCA2 (BRCA2 DNA repair associated; plus strand). Cytogenetic location: 13q13.1.
Variant type: single nucleotide variant.
Coding change: c.7071G>T on transcript NM_000059.4 (MANE Select); coding-DNA position 7071, G replaced by T.
Protein change: p.Leu2357=; no amino-acid change (leucine 2357 retained).
Molecular consequence: synonymous variant.
Genome position (GRCh38, 1-based): chr13:32,354,924, G>T. VCF-style: chr13-32354924-G-T. GRCh37 (hg19) VCF-style: chr13-32929061-G-T.
Identifiers: ClinVar variation 233832 (VCV000233832.16), dbSNP rs45496492, ClinGen allele CA10579721.
Genomic context (GRCh38, chr13:32,354,924, plus strand): 5'-AACTAAGGAACGTCAAGAGATACAGAATCCAAATTTTACCGCACCTGGTCAAGAATTTCT[G>T]TCTAAATCTCATTTGTATGAACATCTGACTTTGGAAAAATCTTCAAGCAATTTAGCAGTT-3'
Protein context (NP_000050.3, residues 2347-2367): PNFTAPGQEF[Leu2357=]SKSHLYEHLT

ClinVar aggregate classification (germline): Likely benign. Review status: reviewed by expert panel (3 of 4 stars). 6 submissions from 6 submitters: Likely benign (1). 5 of the submissions do not count toward it. Last evaluated 2017-06-29.

Conditions:
Hereditary cancer-predisposing syndrome. Also called: Tumor predisposition; Hereditary Cancer Syndrome; Hereditary neoplastic syndrome; Neoplastic Syndromes, Hereditary. Identifiers: Orphanet 140162, MedGen C0027672, MeSH D009386, MONDO:0015356.
Hereditary breast ovarian cancer syndrome. Also called: Hereditary breast and ovarian cancer; Breast and ovarian cancer; BRCA1- and BRCA2-Associated Hereditary Breast and Ovarian Cancer; Hereditary breast and ovarian cancer syndrome; Hereditary breast and ovarian cancer syndrome (HBOC); Hereditary breast and/or ovarian cancer syndrome. Identifiers: Orphanet 145, MedGen C0677776, MeSH D061325, MONDO:0003582. Disease mechanism: loss of function.
Breast-ovarian cancer, familial, susceptibility to, 2 (BROVCA2). Also called: BRCA2 Hereditary Breast and Ovarian Cancer. Identifiers: Orphanet 145, MedGen C2675520, MONDO:0012933, OMIM 612555. Disease mechanism: loss of function.

Submissions (6):

Evidence-based Network for the Interpretation of Germline Mutant Alleles (ENIGMA)
Classification: Likely benign for Breast-ovarian cancer, familial, susceptibility to, 2. Last evaluated: 2017-06-29. Review status: reviewed by expert panel. Criteria: ENIGMA BRCA1/2 Classification Criteria (2017-06-29). Collection method: curation. Allele origin: germline.
Comment: Synonymous substitution variant, with low bioinformatic likelihood to result in a splicing aberration (Splicing prior probability 0.02).

Women's Health and Genetics/Laboratory Corporation of America, LabCorp
Classification: Likely benign. Last evaluated: 2025-01-27. Review status: criteria provided, single submitter. Criteria: LabCorp Variant Classification Summary - May 2015. Collection method: clinical testing. Allele origin: germline. Not counted in ClinVar's aggregate classification.

Labcorp Genetics (formerly Invitae), Labcorp
Classification: Likely benign for Hereditary breast ovarian cancer syndrome. Last evaluated: 2024-08-01. Review status: criteria provided, single submitter. Criteria: Invitae Variant Classification Sherloc (09022015). Collection method: clinical testing. Allele origin: germline. Not counted in ClinVar's aggregate classification.

All of Us Research Program, National Institutes of Health
Classification: Likely benign for Breast-ovarian cancer, familial, susceptibility to, 2. Last evaluated: 2023-10-06. Review status: criteria provided, single submitter. Criteria: ACMG Guidelines, 2015. Collection method: clinical testing. Allele origin: germline. Inheritance: Autosomal dominant inheritance. Observed: 1 variant allele, 1 heterozygote. Not counted in ClinVar's aggregate classification.
Comment: This study involves interpretation of variants in research participants for the purpose of population health screening. Participant phenotype was not available at the time of variant classification. Additional details can be found in publication PMID: 35346344, PMCID: PMC8962531

Color Diagnostics, LLC DBA Color Health
Classification: Likely benign for Hereditary cancer-predisposing syndrome. Last evaluated: 2023-10-05. Review status: criteria provided, single submitter. Criteria: ACMG Guidelines, 2015. Collection method: clinical testing. Allele origin: germline. Not counted in ClinVar's aggregate classification.

Ambry Genetics
Classification: Likely benign for Hereditary cancer-predisposing syndrome. Last evaluated: 2015-09-03. Review status: criteria provided, single submitter. Criteria: Ambry Variant Classification Scheme 2023. Collection method: clinical testing. Allele origin: germline. Not counted in ClinVar's aggregate classification.